The following is an entry in ClinVar:

ClinVar aggregate classification (germline): Uncertain significance (1 of 4 stars; one submission).

Conditions:
Familial temporal lobe epilepsy 7. Identifiers: Orphanet 101046, MedGen C4225327, MONDO:0014639, OMIM 616436.
Norman-Roberts syndrome (LIS2). Also called: Lissencephaly 2 (Norman-Roberts type). Identifiers: Orphanet 89844, MedGen C0796089, MONDO:0009760, OMIM 257320.

Allele frequency attached by ClinVar (database versions not stated): gnomAD exomes below 0.00001; TOPMed 0.00001.
gnomAD v4.1: 1 of 1,613,974 alleles (0.000062%); highest among the groups gnomAD compares: Admixed American, 0.0017%; no homozygotes.

Submission:

Labcorp Genetics (formerly Invitae), Labcorp
Classification: Uncertain significance for Familial temporal lobe epilepsy 7; Norman-Roberts syndrome. Last evaluated: 2024-05-29. Review status: criteria provided, single submitter. Criteria: Invitae Variant Classification Sherloc (09022015). Collection method: clinical testing. Allele origin: germline.
Comment: This sequence change replaces aspartic acid, which is acidic and polar, with tyrosine, which is neutral and polar, at codon 185 of the RELN protein (p.Asp185Tyr). This variant is present in population databases (no rsID available, gnomAD 0.003%). This variant has not been reported in the literature in individuals affected with RELN-related conditions. ClinVar contains an entry for this variant (Variation ID: 1417449). Advanced modeling of protein sequence and biophysical properties (such as structural, functional, and spatial information, amino acid conservation, physicochemical variation, residue mobility, and thermodynamic stability) performed at Invitae indicates that this missense variant is not expected to disrupt RELN protein function with a negative predictive value of 80%. In summary, the available evidence is currently insufficient to determine the role of this variant in disease. Therefore, it has been classified as a Variant of Uncertain Significance.

NM_005045.4(RELN):c.553G>T (p.Asp185Tyr)

Gene: RELN (reelin; minus strand). Cytogenetic location: 7q22.1.
Variant type: single nucleotide variant.
Coding change: c.553G>T on transcript NM_005045.4 (MANE Select); coding-DNA position 553, G replaced by T.
Protein change: p.Asp185Tyr; replaces aspartic acid 185 with tyrosine.
Molecular consequence: missense variant.
Genome position (GRCh38, 1-based): chr7:103,753,206, C>A on the plus strand (G>T on the coding strand, the complement: RELN is on the minus strand). VCF-style: chr7-103753206-C-A. GRCh37 (hg19) VCF-style: chr7-103393653-C-A.
Other names: c.553G>T, p.Asp185Tyr (NM_173054.3); short protein forms D185Y.
Identifiers: ClinVar variation 1417449 (VCV001417449.8), dbSNP rs1480297004, ClinGen allele CA368930439.
Genomic context (GRCh38, chr7:103,753,206, plus strand): 5'-ACTAAAGTTAATGACATCAGAGTCTTAAACACTTACCTAGATGTGGGTGCACAGTGACAT[C>A]TGTTGGAGCTGAATCAAGAGAGGAAAGAAGAAAGACAACTGATCAGGAATGAAAGCAAAA-3'
Protein context (NP_005036.2, residues 175-195): QQLCEQGAPT[Asp185Tyr]VTVHPHLAEI